The following is an entry in ClinVar:

ClinVar aggregate classification (germline): Uncertain significance (1 of 4 stars; one submission).

Conditions:
Brachyolmia-amelogenesis imperfecta syndrome. Also called: Tooth agenesis, selective, 6; Dental anomalies and short stature; PLATYSPONDYLY WITH AMELOGENESIS IMPERFECTA. Identifiers: Orphanet 2899, MedGen C1832594, MONDO:0011018, OMIM 601216. Disease mechanism: loss of function.

Submission:

Labcorp Genetics (formerly Invitae), Labcorp
Classification: Uncertain significance for Brachyolmia-amelogenesis imperfecta syndrome. Last evaluated: 2024-05-12. Review status: criteria provided, single submitter. Criteria: Invitae Variant Classification Sherloc (09022015). Collection method: clinical testing. Allele origin: germline.
Comment: This sequence change replaces arginine, which is basic and polar, with histidine, which is basic and polar, at codon 231 of the LTBP3 protein (p.Arg231His). This variant is not present in population databases (gnomAD no frequency). This variant has not been reported in the literature in individuals affected with LTBP3-related conditions. An algorithm developed to predict the effect of missense changes on protein structure and function (PolyPhen-2) suggests that this variant is likely to be disruptive. In summary, the available evidence is currently insufficient to determine the role of this variant in disease. Therefore, it has been classified as a Variant of Uncertain Significance.

NM_001130144.3(LTBP3):c.692G>A (p.Arg231His)

Gene: LTBP3 (latent transforming growth factor beta binding protein 3; minus strand). Cytogenetic location: 11q13.1.
Variant type: single nucleotide variant.
Coding change: c.692G>A on transcript NM_001130144.3 (MANE Select); coding-DNA position 692, G replaced by A.
Protein change: p.Arg231His; replaces arginine 231 with histidine.
Molecular consequence: missense variant.
Genome position (GRCh38, 1-based): chr11:65,553,873, C>T on the plus strand (G>A on the coding strand, the complement: LTBP3 is on the minus strand). VCF-style: chr11-65553873-C-T. GRCh37 (hg19) VCF-style: chr11-65321344-C-T.
Other names: c.341G>A, p.Arg114His (NM_001164266.1); c.692G>A, p.Arg231His (NM_021070.4); short protein forms R114H, R231H.
Identifiers: ClinVar variation 3675742 (VCV003675742.2).